The following is an entry in ClinVar:

NM_002103.5(GYS1):c.584G>A (p.Arg195Gln)

Gene: GYS1 (glycogen synthase 1; minus strand). Cytogenetic location: 19q13.33.
Variant type: single nucleotide variant.
Coding change: c.584G>A on transcript NM_002103.5 (MANE Select); coding-DNA position 584, G replaced by A.
Protein change: p.Arg195Gln; replaces arginine 195 with glutamine.
Molecular consequence: missense variant. On other transcripts: non-coding transcript variant (1).
Genome position (GRCh38, 1-based): chr19:48,985,944, C>T on the plus strand (G>A on the coding strand, the complement: GYS1 is on the minus strand). VCF-style: chr19-48985944-C-T. GRCh37 (hg19) VCF-style: chr19-49489201-C-T.
Other names: c.392G>A, p.Arg131Gln (NM_001161587.2); short protein forms R131Q, R195Q.
Identifiers: ClinVar variation 967367 (VCV000967367.8), dbSNP rs1465178449, ClinGen allele CA406765258.
Genomic context (GRCh38, chr19:48,985,944, plus strand): 5'-GCACACAGGTAGCGCCCCAGCAGCGTGGCATGGGTGGTGAAGATGGTTGCTACAGGCAGT[C>T]GCCGGGCACGACACAGGCAGAGTCCAACGCCTGCCAACCACTCATGGAAGTGAGCAACCA-3'
Protein context (NP_002094.2, residues 185-205): GVGLCLCRAR[Arg195Gln]LPVATIFTTH

ClinVar aggregate classification (germline): Uncertain significance (1 of 4 stars; one submission).

Conditions:
Glycogen storage disease due to muscle and heart glycogen synthase deficiency. Also called: GSD 0b; MUSCLE GLYCOGEN SYNTHASE DEFICIENCY. Identifiers: Orphanet 137625, MedGen C1969054, MONDO:0012693, OMIM 611556.

Allele frequency attached by ClinVar (database versions not stated): gnomAD exomes 0.00001 and 0.00002; gnomAD 0.00002; TOPMed 0.00005.

Submission:

Labcorp Genetics (formerly Invitae), Labcorp
Classification: Uncertain significance for Glycogen storage disease due to muscle and heart glycogen synthase deficiency. Last evaluated: 2025-09-02. Review status: criteria provided, single submitter. Criteria: Invitae Variant Classification Sherloc (09022015). Collection method: clinical testing. Allele origin: germline.
Comment: This sequence change replaces arginine, which is basic and polar, with glutamine, which is neutral and polar, at codon 195 of the GYS1 protein (p.Arg195Gln). This variant is present in population databases (no rsID available, gnomAD 0.01%). This variant has not been reported in the literature in individuals affected with GYS1-related conditions. ClinVar contains an entry for this variant (Variation ID: 967367). Invitae Evidence Modeling of protein sequence and biophysical properties (such as structural, functional, and spatial information, amino acid conservation, physicochemical variation, residue mobility, and thermodynamic stability) indicates that this missense variant is not expected to disrupt GYS1 protein function with a negative predictive value of 80%. In summary, the available evidence is currently insufficient to determine the role of this variant in disease. Therefore, it has been classified as a Variant of Uncertain Significance.